The following is an entry in ClinVar:

NM_001242896.3(DEPDC5):c.3547G>A (p.Ala1183Thr)

Gene: DEPDC5 (DEP domain containing 5, GATOR1 subcomplex subunit; plus strand). Cytogenetic location: 22q12.3.
Variant type: single nucleotide variant.
Coding change: c.3547G>A on transcript NM_001242896.3 (MANE Select); coding-DNA position 3547, G replaced by A.
Protein change: p.Ala1183Thr; replaces alanine 1183 with threonine.
Molecular consequence: missense variant. On other transcripts: non-coding transcript variant (4).
Genome position (GRCh38, 1-based): chr22:31,873,316, G>A. VCF-style: chr22-31873316-G-A. GRCh37 (hg19) VCF-style: chr22-32269302-G-A.
Other names: c.3520G>A, p.Ala1174Thr (NM_001136029.4); c.3247G>A, p.Ala1083Thr (NM_001242897.2); c.3481G>A, p.Ala1161Thr (NM_001363852.2, NM_001364320.2); c.3313G>A, p.Ala1105Thr (NM_001363854.2, NM_001364319.2); c.3547G>A, p.Ala1183Thr (NM_001364318.2); c.3463G>A, p.Ala1155Thr (NM_001369901.1, NM_001369902.1); c.3454G>A, p.Ala1152Thr (NM_001369903.1, NM_014662.6); short protein forms A1083T, A1105T, A1152T, A1155T, A1161T, A1174T, A1183T.
Identifiers: ClinVar variation 1304359 (VCV001304359.9), dbSNP rs376438394, ClinGen allele CA10197017.
Genomic context (GRCh38, chr22:31,873,316, plus strand): 5'-TCTCAGCAGCTGGTGGCAAGCTCCTTGACCTCATCCTCTACCCTGACAGAGATCCTGGAA[G>A]CCATGAAGCACCCCTCGTAAGTGGCTCACCACAGTGTAGGGTTGGAAGGTTCCCAGAAGC-3'
Protein context (NP_001229825.1, residues 1173-1193): SSSTLTEILE[Ala1183Thr]MKHPSTGVQL

ClinVar aggregate classification (germline): Conflicting classifications of pathogenicity. Review status: criteria provided, conflicting classifications (1 of 4 stars). 3 submissions from 3 submitters: Uncertain significance (2); Likely benign (1). Last evaluated 2026-01-09.

Conditions:
Familial focal epilepsy with variable foci (FPEVF). Identifiers: Orphanet 98820, MedGen C1858477, MONDO:0020310.
Inborn genetic diseases. Identifiers: MedGen C0950123, MeSH D030342.

Allele frequency attached by ClinVar (database versions not stated): ESP Exome Variant Server 0.00008; gnomAD 0.00004; gnomAD exomes 0.00004 and 0.00005; TOPMed 0.00003; ExAC 0.00004.
gnomAD v4.1: 84 of 1,613,892 alleles (0.0052%); highest among the groups gnomAD compares: Non-Finnish European, 0.0067%; no homozygotes.

Submissions (3):

GeneDx
Classification: Uncertain significance. Last evaluated: 2026-01-09. Review status: criteria provided, single submitter. Criteria: GeneDx Variant Classification Process June 2021. Collection method: clinical testing. Allele origin: germline. Affected: yes.
Comment: In silico analysis supports that this missense variant has a deleterious effect on protein structure/function; Has not been previously published as pathogenic or benign to our knowledge

Labcorp Genetics (formerly Invitae), Labcorp
Classification: Uncertain significance for Familial focal epilepsy with variable foci. Last evaluated: 2024-08-28. Review status: criteria provided, single submitter. Criteria: Invitae Variant Classification Sherloc (09022015). Collection method: clinical testing. Allele origin: germline.
Comment: This sequence change replaces alanine, which is neutral and non-polar, with threonine, which is neutral and polar, at codon 1183 of the DEPDC5 protein (p.Ala1183Thr). This variant is present in population databases (rs376438394, gnomAD 0.01%). This variant has not been reported in the literature in individuals affected with DEPDC5-related conditions. ClinVar contains an entry for this variant (Variation ID: 1304359). Experimental studies and prediction algorithms are not available or were not evaluated, and the functional significance of this variant is currently unknown. In summary, the available evidence is currently insufficient to determine the role of this variant in disease. Therefore, it has been classified as a Variant of Uncertain Significance.

Ambry Genetics
Classification: Likely benign for Inborn genetic diseases. Last evaluated: 2024-07-27. Review status: criteria provided, single submitter. Criteria: Ambry Variant Classification Scheme 2023. Collection method: clinical testing. Allele origin: germline.